The following is an entry in ClinVar:

NM_001429.4(EP300):c.1453C>A (p.Gln485Lys)

Gene: EP300 (EP300 lysine acetyltransferase; plus strand). Cytogenetic location: 22q13.2.
Variant type: single nucleotide variant.
Coding change: c.1453C>A on transcript NM_001429.4 (MANE Select); coding-DNA position 1453, C replaced by A.
Protein change: p.Gln485Lys; replaces glutamine 485 with lysine.
Molecular consequence: missense variant.
Genome position (GRCh38, 1-based): chr22:41,131,558, C>A. VCF-style: chr22-41131558-C-A. GRCh37 (hg19) VCF-style: chr22-41527562-C-A.
Other names: c.1453C>A, p.Gln485Lys (NM_001362843.2); short protein forms Q485K.
Identifiers: ClinVar variation 594691 (VCV000594691.13), dbSNP rs772407988, ClinGen allele CA10252515.

ClinVar aggregate classification (germline): Conflicting classifications of pathogenicity. Review status: criteria provided, conflicting classifications (1 of 4 stars). 4 submissions from 4 submitters: Uncertain significance (3); Likely benign (1). Last evaluated 2026-03-09.

Conditions:
EP300-related disorder. Also called: EP300-related condition; EP300-related disorders.

Allele frequency attached by ClinVar (database versions not stated): gnomAD exomes below 0.00001 and 0.00001; gnomAD 0.00001; TOPMed 0.00001; ExAC 0.00002.
gnomAD v4.1: 7 of 1,613,934 alleles (0.00043%); highest among the groups gnomAD compares: Middle Eastern, 0.016%; no homozygotes.

Submissions (4):

PreventionGenetics, part of Exact Sciences
Classification: Uncertain significance for EP300-related condition. Last evaluated: 2026-03-09. Review status: criteria provided, single submitter. Criteria: ACMG Guidelines, 2015. Collection method: clinical testing. Allele origin: germline.
Comment: The EP300 c.1453C>A variant is predicted to result in the amino acid substitution p.Gln485Lys. To our knowledge, this variant has not been reported in the literature. This variant is reported in 0.0087% of alleles in individuals of Latino descent in gnomAD. Although we suspect this variant may be benign, at this time, the clinical significance of this variant is uncertain due to the absence of conclusive functional and genetic evidence.

Dasa
Classification: Uncertain significance. Last evaluated: 2025-03-04. Review status: criteria provided, single submitter. Criteria: DASA Assertion Criteria. Collection method: clinical testing. Allele origin: germline.
Comment: NM_001429.4(EP300):c.1453C>A (p.Gln485Lys) is a missense variant that results in the substitution of glutamine with lysine. This variant is rare in population databases. Computational prediction algorithms are consistent with a benign effect. The currently available literature and clinical evidence are not sufficient to establish a definitive association between this variant and the reported condition. Therefore, this variant is classified as a variant of uncertain significance.

GeneDx
Classification: Likely benign. Last evaluated: 2019-10-16. Review status: criteria provided, single submitter. Criteria: GeneDx Variant Classification Process June 2021. Collection method: clinical testing. Allele origin: germline. Affected: yes.

Eurofins Ntd Llc (ga)
Classification: Uncertain significance. Last evaluated: 2017-11-13. Review status: criteria provided, single submitter. Criteria: EGL Classification Definitions 2015. Collection method: clinical testing. Allele origin: germline. Observed: 1 variant allele, 1 heterozygote.